The following is an entry in ClinVar:

ClinVar aggregate classification (germline): Likely benign. Review status: criteria provided, multiple submitters, no conflicts (2 of 4 stars). 2 submissions from 2 submitters: Likely benign (2). Last evaluated 2025-09-11.

Submissions (2):

Mayo Clinic Laboratories, Mayo Clinic
Classification: Likely benign. Last evaluated: 2025-09-11. Review status: criteria provided, single submitter. Criteria: ACMG Guidelines, 2015. Collection method: clinical testing. Allele origin: germline. Observed: 25 variant alleles.
Comment: BP4, BP7

Laboratory for Molecular Medicine, Mass General Brigham Personalized Medicine
Classification: Likely benign. Last evaluated: 2016-01-28. Review status: criteria provided, single submitter. Criteria: LMM Criteria. Collection method: clinical testing. Allele origin: germline. Observed: 1 variant allele.
Comment: p.Leu672Leu variant in exon 4 of STRC: This variant is not expected to have clin ical significance because it does not alter an amino acid residue and is not loc ated within the splice consensus sequence.

NM_153700.2(STRC):c.2016A>G (p.Leu672=)

Gene: STRC (stereocilin; minus strand). Cytogenetic location: 15q15.3.
Variant type: single nucleotide variant.
Coding change: c.2016A>G on transcript NM_153700.2 (MANE Select); coding-DNA position 2016, A replaced by G.
Protein change: p.Leu672=; no amino-acid change (leucine 672 retained).
Molecular consequence: synonymous variant.
Genome position (GRCh38, 1-based): chr15:43,615,550, T>C on the plus strand (A>G on the coding strand, the complement: STRC is on the minus strand). VCF-style: chr15-43615550-T-C. GRCh37 (hg19) VCF-style: chr15-43907748-T-C.
Other names: p.Leu672=.
Identifiers: ClinVar variation 227964 (VCV000227964.6), dbSNP rs62018893, ClinGen allele CA10576982.